The following is an entry in ClinVar:

NM_000051.4(ATM):c.4612_4621del (p.Val1538fs)

Gene: ATM (ATM serine/threonine kinase; plus strand). Cytogenetic location: 11q22.3.
Variant type: Deletion.
Coding change: c.4612_4621del on transcript NM_000051.4 (MANE Select); coding-DNA positions 4612 to 4621, 10 bases deleted (GTATTGGACT; older notation c.4612_4621delGTATTGGACT).
Protein change: p.Val1538fs; shifts the reading frame from valine 1538.
Molecular consequence: frameshift variant.
Genome position (GRCh38, 1-based): chr11:108,293,313-108,293,322, GTATTGGACT deleted. VCF-style (leftmost placement, unchanged base first): chr11-108293312-GGTATTGGACT-G. GRCh37 (hg19) VCF-style: chr11-108164039-GGTATTGGACT-G.
Other names: c.4612_4621del, p.Val1538fs (NM_001351834.2); c.4612_4621del10 (NM_000051.3); short protein forms V1538fs.
Identifiers: ClinVar variation 1741900 (VCV001741900.3), dbSNP rs2546930075, ClinGen allele CA2580083396.

ClinVar aggregate classification (germline): Pathogenic/Likely pathogenic. Review status: criteria provided, multiple submitters, no conflicts (2 of 4 stars). 2 submissions from 2 submitters: Pathogenic (1); Likely pathogenic (1). Last evaluated 2024-06-28.

Conditions:
Hereditary cancer-predisposing syndrome. Also called: Hereditary Cancer Syndrome; Hereditary neoplastic syndrome; Neoplastic Syndromes, Hereditary; Tumor predisposition. Identifiers: Orphanet 140162, MedGen C0027672, MeSH D009386, MONDO:0015356.
Familial cancer of breast. Also called: Hereditary breast cancer; BREAST CANCER, FAMILIAL; hereditary breast carcinoma. Identifiers: Orphanet 227535, MedGen C0346153, MONDO:0016419, OMIM 114480. Disease mechanism: loss of function.

Submissions (2):

Ambry Genetics
Classification: Likely pathogenic for Hereditary cancer-predisposing syndrome. Last evaluated: 2024-06-28. Review status: criteria provided, single submitter. Criteria: Ambry Variant Classification Scheme 2023. Collection method: clinical testing. Allele origin: germline.
Comment: The c.4612_4621del10 variant, located in coding exon 30 of the ATM gene, results from a deletion of 10 nucleotides at nucleotide positions 4612 to 4621, causing a translational frameshift with a predicted alternate stop codon (p.V1538Cfs*2). However, this change impacts the first base pair of coding exon 30, which means it may have some effect on normal mRNA splicing. In silico splice site analysis predicts that this alteration will weaken the native splice acceptor site. RNA studies have demonstrated that this alteration results in a transcript predicted to lead to a protein with an in-frame deletion of 55 amino acids; however, the impacted region is critical for protein function (Ambry internal data). This nucleotide position is well conserved in available vertebrate species. Based on the majority of available evidence to date, this variant is likely to be pathogenic.

Myriad Genetics, Inc.
Classification: Pathogenic for Familial cancer of breast. Last evaluated: 2024-01-24. Review status: criteria provided, single submitter. Criteria: Myriad Autosomal Dominant, Autosomal Recessive and X-Linked Classification Criteria (2023). Collection method: clinical testing. Allele origin: unknown.
Comment: This variant is considered pathogenic. This variant creates a frameshift predicted to result in premature protein truncation.